The following is an entry in ClinVar:

ClinVar aggregate classification (germline): Likely benign (0 of 4 stars; one submission).

Conditions:
PKD1-related disorder. Also called: PKD1-related condition.

Submission:

PreventionGenetics, part of Exact Sciences
Classification: Likely benign for PKD1-related condition. Last evaluated: 2024-04-28. Review status: no assertion criteria provided. Collection method: clinical testing. Allele origin: germline.
Comment: This variant is classified as likely benign based on ACMG/AMP sequence variant interpretation guidelines (Richards et al. 2015 PMID: 25741868, with internal and published modifications).

NM_001009944.3(PKD1):c.7890A>C (p.Ala2630=)

Gene: PKD1 (polycystin 1, transient receptor potential channel interacting; minus strand). Cytogenetic location: 16p13.3.
Variant type: single nucleotide variant.
Coding change: c.7890A>C on transcript NM_001009944.3 (MANE Select); coding-DNA position 7890, A replaced by C.
Protein change: p.Ala2630=; no amino-acid change (alanine 2630 retained).
Molecular consequence: synonymous variant.
Genome position (GRCh38, 1-based): chr16:2,105,448, T>G on the plus strand (A>C on the coding strand, the complement: PKD1 is on the minus strand). VCF-style: chr16-2105448-T-G. GRCh37 (hg19) VCF-style: chr16-2155449-T-G.
Other names: c.7890A>C, p.Ala2630= (NM_000296.4).
Identifiers: ClinVar variation 3353116 (VCV003353116.1).
Genomic context (GRCh38, chr16:2,105,448, plus strand): 5'-CAGAGTCTCCGTGATGTTCTTGCGTATCTGGGCTCGGTGCTGCCGCTCGTGCTTGGGCTC[T>G]GCCGCCACGTCCAGGGCCCGCTCGTACTGGGGCAGGCAGGGGGCACAGCAAGCTGTCAGC-3'
Protein context (NP_001009944.3, residues 2620-2640): NEYERALDVA[Ala2630=]EPKHERQHRA